The following is an entry in ClinVar:

NM_001048174.2(MUTYH):c.112G>A (p.Asp38Asn)

Gene: MUTYH (mutY DNA glycosylase; minus strand). Cytogenetic location: 1p34.1.
Variant type: single nucleotide variant.
Coding change: c.112G>A on transcript NM_001048174.2 (MANE Select); coding-DNA position 112, G replaced by A.
Protein change: p.Asp38Asn; replaces aspartic acid 38 with asparagine.
Molecular consequence: missense variant. On other transcripts: 5 prime UTR variant (4), non-coding transcript variant (2).
Genome position (GRCh38, 1-based): chr1:45,334,394, C>T on the plus strand (G>A on the coding strand, the complement: MUTYH is on the minus strand). VCF-style: chr1-45334394-C-T. GRCh37 (hg19) VCF-style: chr1-45800066-C-T.
Other names: c.112G>A, p.Asp38Asn (NM_001048171.2, NM_001048172.2, NM_001048173.2 and 2 more transcripts); c.154G>A, p.Asp52Asn (NM_001128425.2, NM_001293190.2, NM_012222.3); c.-101G>A (NM_001293192.2, NM_001293196.2); c.-160G>A (NM_001350650.2); c.-96G>A (NM_001350651.2); short protein forms D52N, D38N.
Identifiers: ClinVar variation 629949 (VCV000629949.19), dbSNP rs1245520779, ClinGen allele CA340136935.

ClinVar aggregate classification (germline): Conflicting classifications of pathogenicity. Review status: criteria provided, conflicting classifications (1 of 4 stars). 4 submissions from 4 submitters: Uncertain significance (3); Benign (1). Last evaluated 2025-09-14.

Conditions:
Familial adenomatous polyposis 2. Also called: COLORECTAL ADENOMATOUS POLYPOSIS, AUTOSOMAL RECESSIVE; ADENOMAS, MULTIPLE COLORECTAL, AUTOSOMAL RECESSIVE; MUTYH-associated polyposis; MUTYH-related attenuated familial adenomatous polyposis; MUTYH Polyposis; Adenomas, multiple colorectal. Identifiers: Orphanet 220460, Orphanet 247798, MedGen C3272841, MONDO:0012041, OMIM 608456.
Hereditary cancer-predisposing syndrome. Also called: Neoplastic Syndromes, Hereditary; Hereditary Cancer Syndrome; Tumor predisposition; Hereditary neoplastic syndrome. Identifiers: Orphanet 140162, MedGen C0027672, MeSH D009386, MONDO:0015356.

Allele frequency attached by ClinVar (database versions not stated): TOPMed below 0.00001; gnomAD 0.00001; gnomAD exomes 0.00001.

Submissions (4):

Labcorp Genetics (formerly Invitae), Labcorp
Classification: Uncertain significance for Familial adenomatous polyposis 2. Last evaluated: 2025-09-14. Review status: criteria provided, single submitter. Criteria: Invitae Variant Classification Sherloc (09022015). Collection method: clinical testing. Allele origin: germline.
Comment: This sequence change replaces aspartic acid, which is acidic and polar, with asparagine, which is neutral and polar, at codon 52 of the MUTYH protein (p.Asp52Asn). This variant is present in population databases (no rsID available, gnomAD 0.002%). This variant has not been reported in the literature in individuals affected with MUTYH-related conditions. ClinVar contains an entry for this variant (Variation ID: 629949). An algorithm developed to predict the effect of missense changes on protein structure and function outputs the following: PolyPhen-2: "Benign". The asparagine amino acid residue is found in multiple mammalian species, which suggests that this missense change does not adversely affect protein function. In summary, the available evidence is currently insufficient to determine the role of this variant in disease. Therefore, it has been classified as a Variant of Uncertain Significance.

Ambry Genetics
Classification: Benign for Hereditary cancer-predisposing syndrome. Last evaluated: 2025-09-09. Review status: criteria provided, single submitter. Criteria: Ambry Variant Classification Scheme 2023. Collection method: clinical testing. Allele origin: germline.

Color Diagnostics, LLC DBA Color Health
Classification: Uncertain significance for Hereditary cancer-predisposing syndrome. Last evaluated: 2024-03-06. Review status: criteria provided, single submitter. Criteria: ACMG Guidelines, 2015. Collection method: clinical testing. Allele origin: germline.
Comment: This missense variant replaces aspartic acid with asparagine at codon 52 of the MUTYH protein. Computational prediction suggests that this variant may not impact protein structure and function (internally defined REVEL score threshold <= 0.5, PMID: 27666373). To our knowledge, functional studies have not been reported for this variant. This variant has not been reported in individuals affected with MUTYH-related disorders in the literature. This variant has been identified in 2/251446 chromosomes in the general population by the Genome Aggregation Database (gnomAD). The available evidence is insufficient to determine the role of this variant in disease conclusively. Therefore, this variant is classified as a Variant of Uncertain Significance.

All of Us Research Program, National Institutes of Health
Classification: Uncertain significance for Familial adenomatous polyposis 2. Last evaluated: 2024-02-22. Review status: criteria provided, single submitter. Criteria: ACMG Guidelines, 2015. Collection method: clinical testing. Allele origin: germline. Inheritance: Autosomal recessive inheritance. Observed: 3 variant alleles, 3 heterozygotes.
Comment: This missense variant replaces aspartic acid with asparagine at codon 52 of the MUTYH protein. Computational prediction suggests that this variant may not impact protein structure and function (internally defined REVEL score threshold <= 0.5, PMID: 27666373). To our knowledge, functional studies have not been reported for this variant. This variant has not been reported in individuals affected with MUTYH-related disorders in the literature. This variant has been identified in 2/251446 chromosomes in the general population by the Genome Aggregation Database (gnomAD). The available evidence is insufficient to determine the role of this variant in disease conclusively. Therefore, this variant is classified as a Variant of Uncertain Significance.

This study involves interpretation of variants in research participants for the purpose of population health screening. Participant phenotype was not available at the time of variant classification. Additional details can be found in publication PMID: 35346344, PMCID: PMC8962531